The following is an entry in ClinVar:

NC_000023.10:g.(?_31140036)_(33229429_?)del

Gene: DMD (dystrophin; minus strand). Cytogenetic location: Xp21.2-21.1.
Variant type: Deletion.
Identifiers: ClinVar variation 2424813 (VCV002424813.4).

ClinVar aggregate classification (germline): Pathogenic (1 of 4 stars; one submission).

Conditions:
Duchenne muscular dystrophy (DMD). Also called: Duchenne Muscular Dystrophy (DMD); MUSCULAR DYSTROPHY, PSEUDOHYPERTROPHIC PROGRESSIVE, DUCHENNE TYPE. Identifiers: Orphanet 98896, MedGen C0013264, MONDO:0010679, OMIM 310200.

Submission:

Labcorp Genetics (formerly Invitae), Labcorp
Classification: Pathogenic for Duchenne muscular dystrophy. Last evaluated: 2022-10-01. Review status: criteria provided, single submitter. Criteria: Invitae Variant Classification Sherloc (09022015). Collection method: clinical testing. Allele origin: germline.
Comment: A gross deletion of the genomic region encompassing the full coding sequence of the DMD gene has been identified. Loss-of-function variants in DMD are known to be pathogenic (PMID: 16770791, 25007885). The boundaries of this event are unknown as they extend beyond the assayed region for this gene and therefore may encompass additional genes. A similar copy number variant has been observed in individual(s) with DMD-related conditions (PMID: 19084397, 22234188). For these reasons, this variant has been classified as Pathogenic.

Literature cited by the submitters: PubMed 16770791; PubMed 25007885; PubMed 19084397; PubMed 22234188.